The following is an entry in ClinVar:

NM_058216.3(RAD51C):c.142_144del (p.Lys48del)

Gene: RAD51C (RAD51 paralog C; plus strand). Cytogenetic location: 17q22.
Variant type: Deletion.
Coding change: c.142_144del on transcript NM_058216.3 (MANE Select); coding-DNA positions 142 to 144, 3 bases deleted (AAA; older notation c.142_144delAAA).
Protein change: p.Lys48del; deletes lysine 48.
Molecular consequence: inframe deletion. On other transcripts: inframe indel (1), non-coding transcript variant (1).
Genome position (GRCh38, 1-based): chr17:58,692,785-58,692,787, AAA deleted. VCF-style (leftmost placement, unchanged base first): chr17-58692784-CAAA-C. GRCh37 (hg19) VCF-style: chr17-56770145-CAAA-C.
Other names: c.142_144del, p.Lys48del (NM_002876.4); c.142_144delAAA, p.Lys48del (NM_058217.1); short protein forms K48del.
Identifiers: ClinVar variation 2857521 (VCV002857521.3), dbSNP rs2509262622, ClinGen allele CA2739265733.
Genomic context (GRCh38, chr17:58,692,784, plus strand): 5'-GGTGTCTGCGGGGTTCCAGACTGCTGAGGAACTCCTAGAGGTGAAACCCTCCGAGCTTAG[CAAA>C]GGTAACGACTCCTGATGGCAAGCTGAGGCACACCGGCCGCCGTCAGCGCCGCCTCAGTCT-3'

ClinVar aggregate classification (germline): Uncertain significance (1 of 4 stars; one submission).

Conditions:
Fanconi anemia complementation group O. Also called: RAD51C-Related Fanconi Anemia. Identifiers: Orphanet 84, MedGen C3150653, MONDO:0013248, OMIM 613390.

Submission:

Labcorp Genetics (formerly Invitae), Labcorp
Classification: Uncertain significance for Fanconi anemia complementation group O. Last evaluated: 2023-04-19. Review status: criteria provided, single submitter. Criteria: Invitae Variant Classification Sherloc (09022015). Collection method: clinical testing. Allele origin: germline.
Comment: This variant, c.142_144del, results in the deletion of 1 amino acid(s) of the RAD51C protein (p.Lys48del), but otherwise preserves the integrity of the reading frame. This variant is not present in population databases (gnomAD no frequency). This variant has not been reported in the literature in individuals affected with RAD51C-related conditions. Studies have shown this variant is associated with multiple RNA products involving skipping of partial exon 1, but one or more of the resulting mRNA isoform(s) may be naturally occurring (Invitae). In summary, the available evidence is currently insufficient to determine the role of this variant in disease. Therefore, it has been classified as a Variant of Uncertain Significance.